The following is an entry in ClinVar:

ClinVar aggregate classification (germline): Likely benign. Review status: criteria provided, multiple submitters, no conflicts (2 of 4 stars). 5 submissions from 5 submitters: Likely benign (5). Last evaluated 2026-02-01.

Conditions:
Cardiovascular phenotype. Identifiers: MedGen CN230736.
Arrhythmogenic cardiomyopathy with wooly hair and keratoderma. Also called: Arrhythmogenic cardiomyopathy with woolly hair and keratoderma; Dilated cardiomyopathy with woolly hair and keratoderma; Carvajal syndrome; PALMOPLANTAR KERATODERMA WITH LEFT VENTRICULAR CARDIOMYOPATHY AND WOOLLY HAIR. Identifiers: Orphanet 65282, MedGen C1854063, MONDO:0011581, OMIM 605676.
Arrhythmogenic right ventricular dysplasia 8 (ARVD8). Also called: Arrhythmogenic Right Ventricular Dysplasia/Cardiomyopathy 8; ARRHYTHMOGENIC RIGHT VENTRICULAR DYSPLASIA, FAMILIAL, 8; ARRHYTHMOGENIC RIGHT VENTRICULAR CARDIOMYOPATHY 8. Identifiers: MedGen C1843896, MONDO:0011831, OMIM 607450.
Cardiomyopathy (CMYO). Also called: Cardiomyopathies. Identifiers: Orphanet 167848, MedGen C0878544, MONDO:0004994, HP:0001638. Inheritance: Various modes of inheritance.

gnomAD v4.1: 13 of 1,614,006 alleles (0.00081%); highest among the groups gnomAD compares: Non-Finnish European, 0.001%; no homozygotes.

Submissions (5):

CeGaT Center for Human Genetics Tuebingen
Classification: Likely benign. Last evaluated: 2026-02-01. Review status: criteria provided, single submitter. Criteria: CeGaT Center For Human Genetics Tuebingen Variant Classification Criteria Version 2. Collection method: clinical testing. Allele origin: germline. Affected: yes. Observed: 1 variant allele.
Comment: DSP: BP4, BP7

Labcorp Genetics (formerly Invitae), Labcorp
Classification: Likely benign for Arrhythmogenic cardiomyopathy with wooly hair and keratoderma; Arrhythmogenic right ventricular dysplasia 8. Last evaluated: 2025-12-09. Review status: criteria provided, single submitter. Criteria: Invitae Variant Classification Sherloc (09022015). Collection method: clinical testing. Allele origin: germline.

All of Us Research Program, National Institutes of Health
Classification: Likely benign for Arrhythmogenic cardiomyopathy with wooly hair and keratoderma. Last evaluated: 2024-02-05. Review status: criteria provided, single submitter. Criteria: ACMG Guidelines, 2015. Collection method: clinical testing. Allele origin: germline. Inheritance: Autosomal dominant inheritance. Observed: 4 variant alleles, 4 heterozygotes.
Comment: This study involves interpretation of variants in research participants for the purpose of population health screening. Participant phenotype was not available at the time of variant classification. Additional details can be found in publication PMID: 35346344, PMCID: PMC8962531

Ambry Genetics
Classification: Likely benign for Cardiovascular phenotype. Last evaluated: 2022-07-06. Review status: criteria provided, single submitter. Criteria: Ambry Variant Classification Scheme 2023. Collection method: clinical testing. Allele origin: germline.

Color Diagnostics, LLC DBA Color Health
Classification: Likely benign for Cardiomyopathy. Last evaluated: 2019-07-02. Review status: criteria provided, single submitter. Criteria: ACMG Guidelines, 2015. Collection method: clinical testing. Allele origin: germline.

NM_004415.4(DSP):c.1743C>A (p.Ala581=)

Gene: DSP (desmoplakin; plus strand). Cytogenetic location: 6p24.3.
Variant type: single nucleotide variant.
Coding change: c.1743C>A on transcript NM_004415.4 (MANE Select); coding-DNA position 1743, C replaced by A.
Protein change: p.Ala581=; no amino-acid change (alanine 581 retained).
Molecular consequence: synonymous variant.
Genome position (GRCh38, 1-based): chr6:7,571,424, C>A. VCF-style: chr6-7571424-C-A. GRCh37 (hg19) VCF-style: chr6-7571657-C-A.
Other names: c.1743C>A, p.Ala581= (NM_001008844.3, NM_001319034.2).
Identifiers: ClinVar variation 700671 (VCV000700671.17), dbSNP rs139095230, ClinGen allele CA029912.